The following is an entry in ClinVar:

ClinVar aggregate classification (germline): Uncertain significance (1 of 4 stars; one submission).

Conditions:
Inborn genetic diseases. Identifiers: MedGen C0950123, MeSH D030342.

Submission:

Ambry Genetics
Classification: Uncertain significance for Inborn genetic diseases. Last evaluated: 2025-07-05. Review status: criteria provided, single submitter. Criteria: Ambry Variant Classification Scheme 2023. Collection method: clinical testing. Allele origin: germline.
Comment: The p.D917N variant (also known as c.2749G>A), located in coding exon 21 of the BUB1B gene, results from a G to A substitution at nucleotide position 2749. The aspartic acid at codon 917 is replaced by asparagine, an amino acid with highly similar properties. This amino acid position is conserved. In addition, this alteration is predicted to be tolerated by in silico analysis. Based on the available evidence, the clinical significance of this variant remains unclear.

NM_001211.6(BUB1B):c.2749G>A (p.Asp917Asn)

Genes: BUB1B (BUB1 mitotic checkpoint serine/threonine kinase B; plus strand), BUB1B-PAK6 (BUB1B-PAK6 readthrough; plus strand). Cytogenetic location: 15q15.1.
Variant type: single nucleotide variant.
Coding change: c.2749G>A on transcript NM_001211.6 (MANE Select); coding-DNA position 2749, G replaced by A.
Protein change: p.Asp917Asn; replaces aspartic acid 917 with asparagine.
Molecular consequence: missense variant. On other transcripts: 5 prime UTR variant (2).
Genome position (GRCh38, 1-based): chr15:40,217,566, G>A. VCF-style: chr15-40217566-G-A. GRCh37 (hg19) VCF-style: chr15-40509767-G-A.
Other names: c.-302G>A (NM_001128628.3); c.-219G>A (NM_001128629.3); short protein forms D917N.
Identifiers: ClinVar variation 4216923 (VCV004216923.1).
Genomic context (GRCh38, chr15:40,217,566, plus strand): 5'-CCCTATGATTGTAACAAGAACAATCAAGCTTTGAAGATAGTGGACTTTTCCTACAGTGTT[G>A]ACCTTAGGGTGCAGCTGGATGTTTTTACCCTCAGCGGCTTTCGGACTGTACAGATCCTGG-3'
Protein context (NP_001202.5, residues 907-927): LKIVDFSYSV[Asp917Asn]LRVQLDVFTL